The following is an entry in ClinVar:

ClinVar aggregate classification (germline): Uncertain significance (1 of 4 stars; one submission).

Conditions:
Autosomal recessive severe congenital neutropenia due to CSF3R deficiency. Also called: Neutropenia, severe congenital, 7, autosomal recessive. Identifiers: Orphanet 420702, MedGen C4310764, MONDO:0014865, OMIM 617014.

gnomAD v4.1: 3 of 1,614,194 alleles (0.00019%); highest among the groups gnomAD compares: Admixed American, 0.0033%; no homozygotes.

Submission:

Labcorp Genetics (formerly Invitae), Labcorp
Classification: Uncertain significance for Autosomal recessive severe congenital neutropenia due to CSF3R deficiency. Last evaluated: 2020-01-31. Review status: criteria provided, single submitter. Criteria: Invitae Variant Classification Sherloc (09022015). Collection method: clinical testing. Allele origin: germline.
Comment: Algorithms developed to predict the effect of missense changes on protein structure and function (SIFT, PolyPhen-2, Align-GVGD) all suggest that this variant is likely to be tolerated, but these predictions have not been confirmed by published functional studies and their clinical significance is uncertain. In summary, the available evidence is currently insufficient to determine the role of this variant in disease. Therefore, it has been classified as a Variant of Uncertain Significance. This variant has not been reported in the literature in individuals with CSF3R-related conditions. This variant is present in population databases (rs750132507, ExAC 0.009%). This sequence change replaces asparagine with lysine at codon 104 of the CSF3R protein (p.Asn104Lys). The asparagine residue is weakly conserved and there is a moderate physicochemical difference between asparagine and lysine.

NM_000760.4(CSF3R):c.312C>A (p.Asn104Lys)

Gene: CSF3R (colony stimulating factor 3 receptor; minus strand). Cytogenetic location: 1p34.3.
Variant type: single nucleotide variant.
Coding change: c.312C>A on transcript NM_000760.4 (MANE Select); coding-DNA position 312, C replaced by A.
Protein change: p.Asn104Lys; replaces asparagine 104 with lysine.
Molecular consequence: missense variant.
Genome position (GRCh38, 1-based): chr1:36,475,426, G>T on the plus strand (C>A on the coding strand, the complement: CSF3R is on the minus strand). VCF-style: chr1-36475426-G-T. GRCh37 (hg19) VCF-style: chr1-36941027-G-T.
Other names: c.312C>A, p.Asn104Lys (NM_156039.3, NM_172313.3); short protein forms N104K.
Identifiers: ClinVar variation 1042973 (VCV001042973.9), dbSNP rs750132507, ClinGen allele CA769517.